The following is an entry in ClinVar:

ClinVar aggregate classification (germline): Uncertain significance (1 of 4 stars; one submission).

Conditions:
Hypertrophic cardiomyopathy. Also called: HYPERTROPHIC MYOCARDIOPATHY. Identifiers: Orphanet 217569, MedGen C0007194, MeSH D002312, MONDO:0005045, HP:0001639.

Allele frequency attached by ClinVar (database versions not stated): gnomAD exomes below 0.00001.
gnomAD v4.1: 1 of 1,605,442 alleles (0.000062%); highest among the groups gnomAD compares: Non-Finnish European, 0.000085%; no homozygotes.

Submission:

Labcorp Genetics (formerly Invitae), Labcorp
Classification: Uncertain significance for Hypertrophic cardiomyopathy. Last evaluated: 2021-07-04. Review status: criteria provided, single submitter. Criteria: Invitae Variant Classification Sherloc (09022015). Collection method: clinical testing. Allele origin: germline.
Comment: This variant is not present in population databases (ExAC no frequency). In summary, the available evidence is currently insufficient to determine the role of this variant in disease. Therefore, it has been classified as a Variant of Uncertain Significance. Algorithms developed to predict the effect of missense changes on protein structure and function are either unavailable or do not agree on the potential impact of this missense change (SIFT: "Deleterious"; PolyPhen-2: "Benign"; Align-GVGD: "Class C0"). This variant has not been reported in the literature in individuals affected with MYH7-related conditions. This sequence change replaces serine with glycine at codon 1199 of the MYH7 protein (p.Ser1199Gly). The serine residue is highly conserved and there is a small physicochemical difference between serine and glycine.

NM_000257.4(MYH7):c.3595A>G (p.Ser1199Gly)

Gene: MYH7 (myosin heavy chain 7; minus strand). Cytogenetic location: 14q11.2.
Variant type: single nucleotide variant.
Coding change: c.3595A>G on transcript NM_000257.4 (MANE Select); coding-DNA position 3595, A replaced by G.
Protein change: p.Ser1199Gly; replaces serine 1199 with glycine.
Molecular consequence: missense variant.
Genome position (GRCh38, 1-based): chr14:23,419,976, T>C on the plus strand (A>G on the coding strand, the complement: MYH7 is on the minus strand). VCF-style: chr14-23419976-T-C. GRCh37 (hg19) VCF-style: chr14-23889185-T-C.
Other names: short protein forms S1199G.
Identifiers: ClinVar variation 1429258 (VCV001429258.8), dbSNP rs1222899350, ClinGen allele CA389043350.
Genomic context (GRCh38, chr14:23,419,976, plus strand): 5'-TCTCCAGCTTCTGCTTCACCCGCTGCAGGTTGTCGATCTGCTCGCCCAGCTCGGCCACGC[T>C]GTCGGCGTGCTTCTTGCGCAGGGCCGCGGCAGTGGCCTCGTGCTGCAGCGTGGCCTCCTC-3'
Protein context (NP_000248.2, residues 1189-1209): AAALRKKHAD[Ser1199Gly]VAELGEQIDN